The following is an entry in ClinVar:

ClinVar aggregate classification (germline): Uncertain significance. Review status: criteria provided, multiple submitters, no conflicts (2 of 4 stars). 2 submissions from 2 submitters: Uncertain significance (2). Last evaluated 2024-08-01.

Allele frequency attached by ClinVar (database versions not stated): gnomAD 0.00001; gnomAD exomes 0.00001.
gnomAD v4.1: 15 of 1,611,736 alleles (0.00093%); highest among the groups gnomAD compares: Middle Eastern, 0.033%; no homozygotes.

Submissions (2):

Ambry Genetics
Classification: Uncertain significance. Last evaluated: 2024-08-01. Review status: criteria provided, single submitter. Criteria: Ambry Variant Classification Scheme 2023. Collection method: clinical testing. Allele origin: germline.

Labcorp Genetics (formerly Invitae), Labcorp
Classification: Uncertain significance. Last evaluated: 2022-04-04. Review status: criteria provided, single submitter. Criteria: Invitae Variant Classification Sherloc (09022015). Collection method: clinical testing. Allele origin: germline.
Comment: This sequence change replaces arginine, which is basic and polar, with lysine, which is basic and polar, at codon 657 of the BICC1 protein (p.Arg657Lys). This variant is present in population databases (rs749217938, gnomAD 0.003%). This variant has not been reported in the literature in individuals affected with BICC1-related conditions. Algorithms developed to predict the effect of missense changes on protein structure and function are either unavailable or do not agree on the potential impact of this missense change (SIFT: "Tolerated"; PolyPhen-2: "Possibly Damaging"; Align-GVGD: "Class C0"). In summary, the available evidence is currently insufficient to determine the role of this variant in disease. Therefore, it has been classified as a Variant of Uncertain Significance.

NM_001080512.3(BICC1):c.1970G>A (p.Arg657Lys)

Gene: BICC1 (BicC family RNA binding protein 1; plus strand). Cytogenetic location: 10q21.1.
Variant type: single nucleotide variant.
Coding change: c.1970G>A on transcript NM_001080512.3 (MANE Select); coding-DNA position 1970, G replaced by A.
Protein change: p.Arg657Lys; replaces arginine 657 with lysine.
Molecular consequence: missense variant.
Genome position (GRCh38, 1-based): chr10:58,801,001, G>A. VCF-style: chr10-58801001-G-A. GRCh37 (hg19) VCF-style: chr10-60560761-G-A.
Other names: c.1970G>A (NM_001080512.1); short protein forms R657K.
Identifiers: ClinVar variation 1952411 (VCV001952411.6), dbSNP rs749217938, ClinGen allele CA5508650.